The following is an entry in ClinVar:

NM_014271.4(IL1RAPL1):c.1942A>G (p.Thr648Ala)

Gene: IL1RAPL1 (interleukin 1 receptor accessory protein like 1; plus strand). Cytogenetic location: Xp21.2.
Variant type: single nucleotide variant.
Coding change: c.1942A>G on transcript NM_014271.4 (MANE Select); coding-DNA position 1942, A replaced by G.
Protein change: p.Thr648Ala; replaces threonine 648 with alanine.
Molecular consequence: missense variant.
Genome position (GRCh38, 1-based): chrX:29,955,671, A>G. VCF-style: chrX-29955671-A-G. GRCh37 (hg19) VCF-style: chrX-29973788-A-G.
Other names: short protein forms T648A.
Identifiers: ClinVar variation 1810063 (VCV001810063.3), dbSNP rs2518941536, ClinGen allele CA412635382.

ClinVar aggregate classification (germline): Uncertain significance. Review status: criteria provided, multiple submitters, no conflicts (2 of 4 stars). 2 submissions from 2 submitters: Uncertain significance (2). Last evaluated 2024-02-08.

Submissions (2):

Women's Health and Genetics/Laboratory Corporation of America, LabCorp
Classification: Uncertain significance. Last evaluated: 2024-02-08. Review status: criteria provided, single submitter. Criteria: LabCorp Variant Classification Summary - May 2015. Collection method: clinical testing. Allele origin: germline.
Comment: Variant summary: IL1RAPL1 c.1942A>G (p.Thr648Ala) results in a non-conservative amino acid change in the encoded protein sequence. Three of five in-silico tools predict a damaging effect of the variant on protein function. The variant was absent in 182273 control chromosomes. The available data on variant occurrences in the general population are insufficient to allow any conclusion about variant significance. To our knowledge, no occurrence of c.1942A>G in individuals affected with Intellectual disability, X-linked 21 and no experimental evidence demonstrating its impact on protein function have been reported. ClinVar contains an entry for this variant (Variation ID: 1810063). Based on the evidence outlined above, the variant was classified as uncertain significance.

GeneDx
Classification: Uncertain significance. Last evaluated: 2022-06-27. Review status: criteria provided, single submitter. Criteria: GeneDx Variant Classification Process June 2021. Collection method: clinical testing. Allele origin: germline. Affected: yes.
Comment: Not observed at significant frequency in large population cohorts (gnomAD); In silico analysis supports that this missense variant does not alter protein structure/function; Has not been previously published as pathogenic or benign to our knowledge